The following is an entry in ClinVar:

NM_001927.4(DES):c.232C>G (p.Arg78Gly)

Gene: DES (desmin; plus strand). Cytogenetic location: 2q35.
Variant type: single nucleotide variant.
Coding change: c.232C>G on transcript NM_001927.4 (MANE Select); coding-DNA position 232, C replaced by G.
Protein change: p.Arg78Gly; replaces arginine 78 with glycine.
Molecular consequence: missense variant.
Genome position (GRCh38, 1-based): chr2:219,418,694, C>G. VCF-style: chr2-219418694-C-G. GRCh37 (hg19) VCF-style: chr2-220283416-C-G.
Other names: c.232C>G, p.Arg78Gly (NM_001382708.1, NM_001382709.1, NM_001382710.1 and 3 more transcripts); short protein forms R78G.
Identifiers: ClinVar variation 4783737 (VCV004783737.1).

ClinVar aggregate classification (germline): Uncertain significance (1 of 4 stars; one submission).

Conditions:
Desmin-related myofibrillar myopathy (MFM1). Also called: Desminopathy; Desmin related myopathy (former name); Desmin storage myopathy (former name); MYOFIBRILLAR MYOPATHY WITH ARRHYTHMOGENIC RIGHT VENTRICULAR CARDIOMYOPATHY; DESMIN-RELATED MYOPATHY WITH ARRHYTHMOGENIC RIGHT VENTRICULAR CARDIOMYOPATHY; Myofibrillar myopathy 1. Identifiers: Orphanet 363543, Orphanet 98909, MedGen C1832370, MONDO:0011076, OMIM 601419.

Submission:

Labcorp Genetics (formerly Invitae), Labcorp
Classification: Uncertain significance for Desmin-related myofibrillar myopathy. Last evaluated: 2025-09-16. Review status: criteria provided, single submitter. Criteria: Invitae Variant Classification Sherloc (09022015). Collection method: clinical testing. Allele origin: germline.
Comment: This sequence change replaces arginine, which is basic and polar, with glycine, which is neutral and non-polar, at codon 78 of the DES protein (p.Arg78Gly). This variant is not present in population databases (gnomAD no frequency). This variant has not been reported in the literature in individuals affected with DES-related conditions. Invitae Evidence Modeling of protein sequence and biophysical properties (such as structural, functional, and spatial information, amino acid conservation, physicochemical variation, residue mobility, and thermodynamic stability) indicates that this missense variant is not expected to disrupt DES protein function with a negative predictive value of 80%. In summary, the available evidence is currently insufficient to determine the role of this variant in disease. Therefore, it has been classified as a Variant of Uncertain Significance.